The following is an entry in ClinVar:

ClinVar aggregate classification (germline): Uncertain significance (1 of 4 stars; one submission).

gnomAD v4.1: 1 of 1,614,028 alleles (0.000062%); no homozygotes.

Submission:

Labcorp Genetics (formerly Invitae), Labcorp
Classification: Uncertain significance. Last evaluated: 2024-10-12. Review status: criteria provided, single submitter. Criteria: Invitae Variant Classification Sherloc (09022015). Collection method: clinical testing. Allele origin: germline.
Comment: This sequence change replaces histidine, which is basic and polar, with arginine, which is basic and polar, at codon 346 of the ROR2 protein (p.His346Arg). This variant is not present in population databases (gnomAD no frequency). This variant has not been reported in the literature in individuals affected with ROR2-related conditions. Invitae Evidence Modeling of protein sequence and biophysical properties (such as structural, functional, and spatial information, amino acid conservation, physicochemical variation, residue mobility, and thermodynamic stability) indicates that this missense variant is expected to disrupt ROR2 protein function with a positive predictive value of 80%. In summary, the available evidence is currently insufficient to determine the role of this variant in disease. Therefore, it has been classified as a Variant of Uncertain Significance.

NM_004560.4(ROR2):c.1037A>G (p.His346Arg)

Gene: ROR2 (receptor tyrosine kinase like orphan receptor 2; minus strand). Cytogenetic location: 9q22.31.
Variant type: single nucleotide variant.
Coding change: c.1037A>G on transcript NM_004560.4 (MANE Select); coding-DNA position 1037, A replaced by G.
Protein change: p.His346Arg; replaces histidine 346 with arginine.
Molecular consequence: missense variant.
Genome position (GRCh38, 1-based): chr9:91,731,056, T>C on the plus strand (A>G on the coding strand, the complement: ROR2 is on the minus strand). VCF-style: chr9-91731056-T-C. GRCh37 (hg19) VCF-style: chr9-94493338-T-C.
Other names: c.1037A>G, p.His346Arg (NM_001318204.2); short protein forms H346R.
Identifiers: ClinVar variation 3691019 (VCV003691019.2).
Genomic context (GRCh38, chr9:91,731,056, plus strand): 5'-CGGCAGTAGGCGTGCCCCCCTCCAAGCTCAGGGAAGTCTGTGCTGGACAGGTGGTGGCTG[T>C]GGGGGTGCTGCAGGGCCCACGGCTGGCACTGGTGGCCTGACTTGGTGGTGCTTGCCGTTC-3'
Protein context (NP_004551.2, residues 336-356): QCQPWALQHP[His346Arg]SHHLSSTDFP